The following is an entry in ClinVar:

ClinVar aggregate classification (germline): Likely benign. Review status: criteria provided, multiple submitters, no conflicts (2 of 4 stars). 4 submissions from 4 submitters: Likely benign (3). 1 of the submissions does not count toward it. Last evaluated 2025-10-01.

Conditions:
Inborn genetic diseases. Identifiers: MedGen C0950123, MeSH D030342.
CREBBP-related disorder. Also called: CREBBP-related condition; CREBBP-related disorders.
Rubinstein-Taybi syndrome (RSTS). Identifiers: Orphanet 783, MedGen C0035934, MONDO:0019188.

Allele frequency attached by ClinVar (database versions not stated): ESP Exome Variant Server 0.00008.
gnomAD v4.1: 46 of 1,613,748 alleles (0.0029%); highest among the groups gnomAD compares: East Asian, 0.027%; no homozygotes.

Submissions (4):

Labcorp Genetics (formerly Invitae), Labcorp
Classification: Likely benign for Rubinstein-Taybi syndrome. Last evaluated: 2025-10-01. Review status: criteria provided, single submitter. Criteria: Invitae Variant Classification Sherloc (09022015). Collection method: clinical testing. Allele origin: germline.

Blueprint Genetics
Classification: Likely benign. Last evaluated: 2024-10-04. Review status: criteria provided, single submitter. Criteria: ACMG Guidelines, 2015. Collection method: clinical testing. Allele origin: germline.

Ambry Genetics
Classification: Likely benign for Inborn genetic diseases. Last evaluated: 2018-06-19. Review status: criteria provided, single submitter. Criteria: Ambry Variant Classification Scheme 2023. Collection method: clinical testing. Allele origin: germline.

PreventionGenetics, part of Exact Sciences
Classification: Likely benign for CREBBP-related condition. Last evaluated: 2021-09-09. Review status: no assertion criteria provided. Collection method: clinical testing. Allele origin: germline. Not counted in ClinVar's aggregate classification.
Comment: This variant is classified as likely benign based on ACMG/AMP sequence variant interpretation guidelines (Richards et al. 2015 PMID: 25741868, with internal and published modifications).

NM_004380.3(CREBBP):c.2013G>A (p.Ser671=)

Gene: CREBBP (CREB binding lysine acetyltransferase; minus strand). Cytogenetic location: 16p13.3.
Variant type: single nucleotide variant.
Coding change: c.2013G>A on transcript NM_004380.3 (MANE Select); coding-DNA position 2013, G replaced by A.
Protein change: p.Ser671=; no amino-acid change (serine 671 retained).
Molecular consequence: synonymous variant.
Genome position (GRCh38, 1-based): chr16:3,778,111, C>T on the plus strand (G>A on the coding strand, the complement: CREBBP is on the minus strand). VCF-style: chr16-3778111-C-T. GRCh37 (hg19) VCF-style: chr16-3828112-C-T.
Other names: c.1899G>A, p.Ser633= (NM_001079846.1).
Identifiers: ClinVar variation 1784442 (VCV001784442.9), dbSNP rs140559284, ClinGen allele CA7870296.